The following is an entry in ClinVar:

ClinVar aggregate classification (germline): Benign/Likely benign. Review status: criteria provided, multiple submitters, no conflicts (2 of 4 stars). 3 submissions from 3 submitters: Benign (1); Likely benign (2). Last evaluated 2026-09-01.

Allele frequency attached by ClinVar (database versions not stated): ESP Exome Variant Server 0.00008; TOPMed 0.00019; 1000 Genomes Project 30x 0.00047; 1000 Genomes Project 0.00060.
gnomAD v4.1: 819 of 1,614,048 alleles (0.051%); highest among the groups gnomAD compares: South Asian, 0.52%; 8 homozygotes.

Submissions (3):

CeGaT Center for Human Genetics Tuebingen
Classification: Likely benign. Last evaluated: 2026-09-01. Review status: criteria provided, single submitter. Criteria: CeGaT Center For Human Genetics Tuebingen Variant Classification Criteria Version 2. Collection method: clinical testing. Allele origin: germline. Affected: yes. Observed: 3 variant alleles.
Comment: FAT2: BP4, BS2

Labcorp Genetics (formerly Invitae), Labcorp
Classification: Benign. Last evaluated: 2025-10-02. Review status: criteria provided, single submitter. Criteria: Invitae Variant Classification Sherloc (09022015). Collection method: clinical testing. Allele origin: germline.

Blueprint Genetics
Classification: Likely benign. Last evaluated: 2024-06-28. Review status: criteria provided, single submitter. Criteria: ACMG Guidelines, 2015. Collection method: clinical testing. Allele origin: germline.

NM_001447.3(FAT2):c.4405C>A (p.Arg1469=)

Genes: FAT2 (FAT atypical cadherin 2; minus strand), SLC36A1 (solute carrier family 36 member 1; plus strand). Cytogenetic location: 5q33.1.
Variant type: single nucleotide variant.
Coding change: c.4405C>A on transcript NM_001447.3 (MANE Select); coding-DNA position 4405, C replaced by A.
Protein change: p.Arg1469=; no amino-acid change (arginine 1469 retained).
Molecular consequence: synonymous variant.
Genome position (GRCh38, 1-based): chr5:151,550,763, G>T on the plus strand (C>A on the coding strand, the complement: FAT2 is on the minus strand). VCF-style: chr5-151550763-G-T. GRCh37 (hg19) VCF-style: chr5-150930324-G-T.
Identifiers: ClinVar variation 2083996 (VCV002083996.29), dbSNP rs35884212, ClinGen allele CA3521553.